The following is an entry in ClinVar:

ClinVar aggregate classification (germline): Uncertain significance (1 of 4 stars; one submission).

Conditions:
Werner syndrome (WRN). Identifiers: Orphanet 902, MedGen C0043119, MONDO:0010196, OMIM 277700.

Submission:

Labcorp Genetics (formerly Invitae), Labcorp
Classification: Uncertain significance for Werner syndrome. Last evaluated: 2024-06-27. Review status: criteria provided, single submitter. Criteria: Invitae Variant Classification Sherloc (09022015). Collection method: clinical testing. Allele origin: germline.
Comment: This sequence change replaces serine, which is neutral and polar, with phenylalanine, which is neutral and non-polar, at codon 991 of the WRN protein (p.Ser991Phe). This variant is not present in population databases (gnomAD no frequency). This variant has not been reported in the literature in individuals affected with WRN-related conditions. ClinVar contains an entry for this variant (Variation ID: 1051316). An algorithm developed to predict the effect of missense changes on protein structure and function (PolyPhen-2) suggests that this variant is likely to be disruptive. In summary, the available evidence is currently insufficient to determine the role of this variant in disease. Therefore, it has been classified as a Variant of Uncertain Significance.

NM_000553.6(WRN):c.2972C>T (p.Ser991Phe)

Gene: WRN (WRN RecQ like helicase; plus strand). Cytogenetic location: 8p12.
Variant type: single nucleotide variant.
Coding change: c.2972C>T on transcript NM_000553.6 (MANE Select); coding-DNA position 2972, C replaced by T.
Protein change: p.Ser991Phe; replaces serine 991 with phenylalanine.
Molecular consequence: missense variant.
Genome position (GRCh38, 1-based): chr8:31,141,434, C>T. VCF-style: chr8-31141434-C-T. GRCh37 (hg19) VCF-style: chr8-30998950-C-T.
Other names: short protein forms S991F.
Identifiers: ClinVar variation 1051316 (VCV001051316.3), dbSNP rs1235144745, ClinGen allele CA370921619.